The following is an entry in ClinVar:

NM_000141.5(FGFR2):c.1361C>T (p.Thr454Met)

Gene: FGFR2 (fibroblast growth factor receptor 2; minus strand). Cytogenetic location: 10q26.13.
Variant type: single nucleotide variant.
Coding change: c.1361C>T on transcript NM_000141.5 (MANE Select); coding-DNA position 1361, C replaced by T.
Protein change: p.Thr454Met; replaces threonine 454 with methionine.
Molecular consequence: missense variant. On other transcripts: non-coding transcript variant (1).
Genome position (GRCh38, 1-based): chr10:121,503,868, G>A on the plus strand (C>T on the coding strand, the complement: FGFR2 is on the minus strand). VCF-style: chr10-121503868-G-A. GRCh37 (hg19) VCF-style: chr10-123263382-G-A.
Other names: c.1364C>T, p.Thr455Met (NM_001144913.1, NM_022970.4); c.1025C>T, p.Thr342Met (NM_001144914.1); c.1094C>T, p.Thr365Met (NM_001144915.2, NM_023029.3); c.1016C>T, p.Thr339Met (NM_001144916.2); c.1013C>T, p.Thr338Met (NM_001144917.2); c.1010C>T, p.Thr337Met (NM_001144918.2); c.1097C>T, p.Thr366Met (NM_001144919.2); c.677C>T, p.Thr226Met (NM_001320654.2); and 1 more; short protein forms T226M, T337M, T342M, T452M, T338M, T339M, T365M, T366M.
Identifiers: ClinVar variation 864431 (VCV000864431.12), dbSNP rs148672240, ClinGen allele CA5720765.

ClinVar aggregate classification (germline): Likely benign. Review status: criteria provided, single submitter (1 of 4 stars). 2 submissions from 2 submitters: Likely benign (1). 1 of the submissions does not count toward it. Last evaluated 2024-12-18.

Conditions:
FGFR2-related disorder. Identifiers: MedGen CN380096.
FGFR2-related craniosynostosis. Identifiers: MedGen CN231480.

Allele frequency attached by ClinVar (database versions not stated): gnomAD exomes 0.00004 and 0.00006; ExAC 0.00007; TOPMed 0.00010; gnomAD 0.00011 and 0.00012; ESP Exome Variant Server 0.00015; 1000 Genomes Project 30x 0.00016; 1000 Genomes Project 0.00040.
gnomAD v4.1: 71 of 1,614,098 alleles (0.0044%); highest among the groups gnomAD compares: African/African-American, 0.039%; no homozygotes.

Submissions (2):

Labcorp Genetics (formerly Invitae), Labcorp
Classification: Likely benign for FGFR2-related craniosynostosis. Last evaluated: 2024-12-18. Review status: criteria provided, single submitter. Criteria: Invitae Variant Classification Sherloc (09022015). Collection method: clinical testing. Allele origin: germline.

PreventionGenetics, part of Exact Sciences
Classification: Likely benign for FGFR2-related condition. Last evaluated: 2022-07-18. Review status: no assertion criteria provided. Collection method: clinical testing. Allele origin: germline. Not counted in ClinVar's aggregate classification.
Comment: This variant is classified as likely benign based on ACMG/AMP sequence variant interpretation guidelines (Richards et al. 2015 PMID: 25741868, with internal and published modifications).